The following is an entry in ClinVar:

NM_005045.4(RELN):c.7827C>G (p.Leu2609=)

Gene: RELN (reelin; minus strand). Cytogenetic location: 7q22.1.
Variant type: single nucleotide variant.
Coding change: c.7827C>G on transcript NM_005045.4 (MANE Select); coding-DNA position 7827, C replaced by G.
Protein change: p.Leu2609=; no amino-acid change (leucine 2609 retained).
Molecular consequence: synonymous variant.
Genome position (GRCh38, 1-based): chr7:103,519,358, G>C on the plus strand (C>G on the coding strand, the complement: RELN is on the minus strand). VCF-style: chr7-103519358-G-C. GRCh37 (hg19) VCF-style: chr7-103159805-G-C.
Other names: c.7827C>G, p.Leu2609= (NM_173054.3).
Identifiers: ClinVar variation 2657896 (VCV002657896.24), dbSNP rs1283589394, ClinGen allele CA457030005.
Genomic context (GRCh38, chr7:103,519,358, plus strand): 5'-ATTAGATATCAAATCGAATACAAACCCGGGCTTACTGTACTGGTCATAGAAAATCTCCAT[G>C]AGCAGGTTCCAGGTAATGCCTCCATTGACAGAATATTCCAAGAGAACACCTTGGTTACGG-3'
Protein context (NP_005036.2, residues 2599-2619): SVNGGITWNL[Leu2609=]MEIFYDQYSK

ClinVar aggregate classification (germline): Likely benign (1 of 4 stars; one submission).

Allele frequency attached by ClinVar (database versions not stated): TOPMed below 0.00001.

Submission:

CeGaT Center for Human Genetics Tuebingen
Classification: Likely benign. Last evaluated: 2022-07-01. Review status: criteria provided, single submitter. Criteria: CeGaT Center For Human Genetics Tuebingen Variant Classification Criteria Version 2. Collection method: clinical testing. Allele origin: germline. Affected: yes. Observed: 1 variant allele.
Comment: RELN: PM2:Supporting, BP4, BP7